The following is an entry in ClinVar:

NM_004517.4(ILK):c.373C>G (p.Leu125Val)

Genes: ILK (integrin linked kinase; plus strand), TAF10 (TATA-box binding protein associated factor 10; minus strand). Cytogenetic location: 11p15.4.
Variant type: single nucleotide variant.
Coding change: c.373C>G on transcript NM_004517.4 (MANE Select); coding-DNA position 373, C replaced by G.
Protein change: p.Leu125Val; replaces leucine 125 with valine.
Molecular consequence: missense variant. On other transcripts: 5 prime UTR variant (1), 3 prime UTR variant (1), intron variant (1).
Genome position (GRCh38, 1-based): chr11:6,608,715, C>G. VCF-style: chr11-6608715-C-G. GRCh37 (hg19) VCF-style: chr11-6629945-C-G.
Other names: c.373C>G, p.Leu125Val (NM_001014795.3, NM_001014794.3); c.-30C>G (NM_001278442.2); c.*2207G>C (NM_006284.4); c.352-169C>G (NM_001278441.2); short protein forms L125V.
Identifiers: ClinVar variation 1498897 (VCV001498897.9), dbSNP rs1305586718, ClinGen allele CA379457948.

ClinVar aggregate classification (germline): Uncertain significance. Review status: criteria provided, multiple submitters, no conflicts (2 of 4 stars). 2 submissions from 2 submitters: Uncertain significance (2). Last evaluated 2025-02-13.

Conditions:
Primary familial hypertrophic cardiomyopathy (HCM). Identifiers: Orphanet 99739, MedGen C0949658, MeSH D024741, MONDO:0024573. Inheritance: Various modes of inheritance.

Allele frequency attached by ClinVar (database versions not stated): gnomAD exomes 0.00001 and 0.00002.
gnomAD v4.1: 5 of 1,614,126 alleles (0.00031%); highest among the groups gnomAD compares: East Asian, 0.0089%; no homozygotes.

Submissions (2):

Ambry Genetics
Classification: Uncertain significance. Last evaluated: 2025-02-13. Review status: criteria provided, single submitter. Criteria: Ambry Variant Classification Scheme 2023. Collection method: clinical testing. Allele origin: germline.

Labcorp Genetics (formerly Invitae), Labcorp
Classification: Uncertain significance for Primary familial hypertrophic cardiomyopathy. Last evaluated: 2024-03-15. Review status: criteria provided, single submitter. Criteria: Invitae Variant Classification Sherloc (09022015). Collection method: clinical testing. Allele origin: germline.
Comment: This sequence change replaces leucine, which is neutral and non-polar, with valine, which is neutral and non-polar, at codon 125 of the ILK protein (p.Leu125Val). This variant is present in population databases (no rsID available, gnomAD 0.02%). This variant has not been reported in the literature in individuals affected with ILK-related conditions. ClinVar contains an entry for this variant (Variation ID: 1498897). An algorithm developed to predict the effect of missense changes on protein structure and function (PolyPhen-2) suggests that this variant is likely to be tolerated. In summary, the available evidence is currently insufficient to determine the role of this variant in disease. Therefore, it has been classified as a Variant of Uncertain Significance.